The following is an entry in ClinVar:

ClinVar aggregate classification (germline): Uncertain significance (1 of 4 stars; one submission).

Submission:

GeneDx
Classification: Uncertain significance. Last evaluated: 2023-04-07. Review status: criteria provided, single submitter. Criteria: GeneDx Variant Classification Process June 2021. Collection method: clinical testing. Allele origin: germline. Affected: yes.
Comment: Not observed at significant frequency in large population cohorts (gnomAD); In-frame deletion of 1 amino acid in a non-repeat region; In silico analysis supports a deleterious effect on protein structure/function; Has not been previously published as pathogenic or benign to our knowledge

NM_001007553.3(CSDE1):c.1383TGA[1] (p.Asp463del)

Gene: CSDE1 (cold shock domain containing E1; minus strand). Cytogenetic location: 1p13.2.
Variant type: Microsatellite.
Coding change: c.1383TGA[1] on transcript NM_001007553.3 (MANE Select); one copy of the 3-base unit TGA starting at c.1383; the reference has two copies in a row; one copy, 3 bases deleted.
Protein change: p.Asp463del; deletes aspartic acid 463.
Molecular consequence: inframe deletion.
Genome position (GRCh38, 1-based): chr1:114,727,059-114,727,061, TCA deleted on the plus strand (TGA on the coding strand, the reverse complement: CSDE1 is on the minus strand); deleting any 3 consecutive bases within chr1:114,727,059-114,727,065 gives the same sequence; the position shown is the placement nearest the transcript's 3' end. VCF-style (leftmost placement, unchanged base first): chr1-114727058-GTCA-G. GRCh37 (hg19) VCF-style: chr1-115269679-GTCA-G.
Other names: c.1428TGA[1], p.Asp478del (NM_001130523.3); c.1521TGA[1], p.Asp509del (NM_001242891.2); c.1383TGA[1], p.Asp463del (NM_001242892.2); c.1290TGA[1], p.Asp432del (NM_001242893.2, NM_007158.6); short protein forms D432del, D463del, D478del, D509del.
Identifiers: ClinVar variation 3343029 (VCV003343029.1).